The following is an entry in ClinVar:

ClinVar aggregate classification (germline): Uncertain significance. Review status: criteria provided, single submitter (1 of 4 stars). 2 submissions from 2 submitters: Uncertain significance (1). 1 of the submissions does not count toward it. Last evaluated 2024-03-26.

Conditions:
TNF receptor-associated periodic fever syndrome (TRAPS) (FPF). Also called: Autosomal Dominant Familial Periodic Fever; TNF RECEPTOR-ASSOCIATED PERIODIC SYNDROME; TUMOR NECROSIS FACTOR RECEPTOR-ASSOCIATED PERIODIC SYNDROME; TNF Receptor-Associated Periodic Fever Syndrome; FAMILIAL HIBERNIAN FEVER; TNF receptor 1-associated periodic fever syndrome. Identifiers: Orphanet 32960, MedGen C1275126, MONDO:0007727, OMIM 142680.

Allele frequency attached by ClinVar (database versions not stated): gnomAD exomes 0.00004; gnomAD 0.00001; TOPMed 0.00001; ESP Exome Variant Server 0.00008; 1000 Genomes Project 30x 0.00016; 1000 Genomes Project 0.00020; ExAC 0.00004.

Submissions (2):

Labcorp Genetics (formerly Invitae), Labcorp
Classification: Uncertain significance for TNF receptor-associated periodic fever syndrome (TRAPS). Last evaluated: 2024-03-26. Review status: criteria provided, single submitter. Criteria: Invitae Variant Classification Sherloc (09022015). Collection method: clinical testing. Allele origin: germline.
Comment: This sequence change replaces arginine, which is basic and polar, with glutamine, which is neutral and polar, at codon 133 of the TNFRSF1A protein (p.Arg133Gln). This variant is present in population databases (rs104895257, gnomAD 0.009%). This missense change has been observed in individual(s) with clinical features of tumor necrosis factor receptor-associated periodic syndrome (TRAPS) (PMID: 15492850, 23745996, 24295430, 24393624). This variant is also known as R104Q. ClinVar contains an entry for this variant (Variation ID: 97699). Algorithms developed to predict the effect of missense changes on protein structure and function output the following: SIFT: "Not Available"; PolyPhen-2: "Benign"; Align-GVGD: "Not Available". The glutamine amino acid residue is found in multiple mammalian species, which suggests that this missense change does not adversely affect protein function. In summary, the available evidence is currently insufficient to determine the role of this variant in disease. Therefore, it has been classified as a Variant of Uncertain Significance.

Unité médicale des maladies autoinflammatoires, CHRU Montpellier
No classification provided. Condition: TNF receptor-associated periodic fever syndrome (TRAPS). Review status: no classification provided. Collection method: not provided. Allele origin: unknown. Not counted in ClinVar's aggregate classification.

Literature cited by the submitters: PubMed 15492850 (cited by Labcorp Genetics (formerly Invitae), Labcorp); PubMed 23745996 (cited by Labcorp Genetics (formerly Invitae), Labcorp); PubMed 24295430 (cited by Labcorp Genetics (formerly Invitae), Labcorp); PubMed 24393624 (cited by Labcorp Genetics (formerly Invitae), Labcorp).

NM_001065.4(TNFRSF1A):c.398G>A (p.Arg133Gln)

Gene: TNFRSF1A (TNF receptor superfamily member 1A; minus strand). Cytogenetic location: 12p13.31.
Variant type: single nucleotide variant.
Coding change: c.398G>A on transcript NM_001065.4 (MANE Select); coding-DNA position 398, G replaced by A.
Protein change: p.Arg133Gln; replaces arginine 133 with glutamine.
Molecular consequence: missense variant. On other transcripts: 5 prime UTR variant (1), non-coding transcript variant (1).
Genome position (GRCh38, 1-based): chr12:6,333,441, C>T on the plus strand (G>A on the coding strand, the complement: TNFRSF1A is on the minus strand). VCF-style: chr12-6333441-C-T. GRCh37 (hg19) VCF-style: chr12-6442607-C-T.
Other names: c.74G>A, p.Arg25Gln (NM_001346091.2); c.-180G>A (NM_001346092.2); short protein forms R133Q, R25Q.
Identifiers: ClinVar variation 97699 (VCV000097699.7), dbSNP rs104895257, ClinGen allele CA280852.